The following is an entry in ClinVar:

ClinVar aggregate classification (germline): Benign. Review status: criteria provided, multiple submitters, no conflicts (2 of 4 stars). 3 submissions from 3 submitters: Benign (3). Last evaluated 2024-11-27.

Allele frequency attached by ClinVar (database versions not stated): 1000 Genomes Project 0.09525; 1000 Genomes Project 30x 0.09635; TOPMed 0.14162; gnomAD 0.15200 and 0.15244.

Submissions (3):

Blueprint Genetics
Classification: Benign. Last evaluated: 2024-11-27. Review status: criteria provided, single submitter. Criteria: ACMG Guidelines, 2015. Collection method: clinical testing. Allele origin: germline.

Unidad de Genómica Garrahan, Hospital de Pediatría Garrahan
Classification: Benign. Last evaluated: 2024-07-15. Review status: criteria provided, single submitter. Criteria: ACMG Guidelines, 2015. Collection method: clinical testing. Allele origin: germline. Affected: no. Observed: 38 variant alleles.
Comment: This variant is classified as Benign based on local population frequency. This variant was detected in 41% of patients studied in a panel designed for Epileptic and Developmental Encephalopathy and Progressive Myoclonus Epilepsy. Number of patients: 38. Only high quality variants are reported.

GeneDx
Classification: Benign. Last evaluated: 2018-07-15. Review status: criteria provided, single submitter. Criteria: GeneDx Variant Classification Process June 2021. Collection method: clinical testing. Allele origin: germline. Affected: yes.

NM_152743.4(BRAT1):c.1771-57C>T

Gene: BRAT1 (BRCA1 associated ATM activator 1; minus strand). Cytogenetic location: 7p22.3.
Variant type: single nucleotide variant.
Coding change: c.1771-57C>T on transcript NM_152743.4 (MANE Select); 57 bases into the intron before coding-DNA position 1771, C replaced by T.
Molecular consequence: intron variant. On other transcripts: missense variant (1).
Genome position (GRCh38, 1-based): chr7:2,538,821, G>A on the plus strand (C>T on the coding strand, the complement: BRAT1 is on the minus strand). VCF-style: chr7-2538821-G-A. GRCh37 (hg19) VCF-style: chr7-2578455-G-A.
Other names: c.1894C>T, p.Arg632Trp (NM_001350626.2); c.1246-57C>T (NM_001350627.2); short protein forms R632W.
Identifiers: ClinVar variation 1275012 (VCV001275012.4), dbSNP rs4721764, ClinGen allele CA12494310.